The following is an entry in ClinVar:

NM_001267550.2(TTN):c.23386C>T (p.Arg7796Ter)

Gene: TTN (titin; minus strand). Cytogenetic location: 2q31.2.
Variant type: single nucleotide variant.
Coding change: c.23386C>T on transcript NM_001267550.2 (MANE Select); coding-DNA position 23386, C replaced by T.
Protein change: p.Arg7796Ter; replaces arginine 7796 with a stop codon.
Molecular consequence: nonsense. On other transcripts: intron variant (3).
Genome position (GRCh38, 1-based): chr2:178,720,256, G>A on the plus strand (C>T on the coding strand, the complement: TTN is on the minus strand). VCF-style: chr2-178720256-G-A. GRCh37 (hg19) VCF-style: chr2-179584983-G-A.
Other names: c.23386C>T (LRG_391t1); c.22435C>T, p.Arg7479Ter (NM_001256850.1); c.19654C>T, p.Arg6552Ter (NM_133378.4); c.13282+17826C>T (NM_003319.4); c.13858+17826C>T (NM_133437.4); c.13657+17826C>T (NM_133432.3); short protein forms R7796*, R6552*, R7479*.
Identifiers: ClinVar variation 223348 (VCV000223348.11), dbSNP rs748111134, ClinGen allele CA090206.
Genomic context (GRCh38, chr2:178,720,256, plus strand): 5'-CCCGTAACTCAACAGCATCCCCAATAAGGGTTGAGGTGTCACTTAGCTTTTTCACGAATC[G>A]TGGAGGTTCTGATGAAAGAAATTTGTGGTTAGAGGAAAAAATGTGAGAATCATGGCCACA-3'

ClinVar aggregate classification (germline): Conflicting classifications of pathogenicity. Review status: criteria provided, conflicting classifications (1 of 4 stars). 4 submissions from 4 submitters: Likely pathogenic (1); Uncertain significance (3). Last evaluated 2024-10-28.

Conditions:
Primary dilated cardiomyopathy (DCM). Also called: Dilated Cardiomyopathy. Identifiers: Orphanet 217604, MedGen C0007193, MeSH D002311, MONDO:0005021, HP:0001644. Inheritance: Various modes of inheritance.
Autosomal recessive limb-girdle muscular dystrophy type 2J (LGMDR10). Also called: Limb-girdle muscular dystrophy, type 2J; MUSCULAR DYSTROPHY, LIMB-GIRDLE, AUTOSOMAL RECESSIVE 10. Identifiers: Orphanet 140922, MedGen C1837342, MONDO:0012127, OMIM 608807.
Dilated cardiomyopathy 1G (CMD1G). Identifiers: Orphanet 154, MedGen C1858763, MONDO:0011400, OMIM 604145.

Allele frequency attached by ClinVar (database versions not stated): gnomAD exomes below 0.00001 and 0.00001; gnomAD 0.00001; TOPMed 0.00001; ExAC 0.00002.
gnomAD v4.1: 6 of 1,608,164 alleles (0.00037%); highest among the groups gnomAD compares: African/African-American, 0.0027%; no homozygotes.

Submissions (4):

Labcorp Genetics (formerly Invitae), Labcorp
Classification: Likely pathogenic for Dilated cardiomyopathy 1G; Autosomal recessive limb-girdle muscular dystrophy type 2J. Last evaluated: 2024-10-28. Review status: criteria provided, single submitter. Criteria: Invitae Variant Classification Sherloc (09022015). Collection method: clinical testing. Allele origin: germline.
Comment: This sequence change creates a premature translational stop signal (p.Arg7796*) in the TTN gene. While this is not anticipated to result in nonsense mediated decay, it is expected to create a truncated TTN protein. This variant is present in population databases (rs748111134, gnomAD 0.007%). This premature translational stop signal has been observed in individual(s) with autosomal recessive congenital myopathy (PMID: 33449170). ClinVar contains an entry for this variant (Variation ID: 223348). This variant is located in the I band of TTN (PMID: 25589632). Truncating variants in this region have been reported in individuals affected with autosomal recessive centronuclear myopathy (PMID: 23975875, internal data). Truncating variants in this region have also been identified in individuals affected with autosomal dominant dilated cardiomyopathy and/or cardio-related conditions (PMID: 27869827, 32964742, internal data). In summary, the currently available evidence indicates that the variant is pathogenic, but additional data are needed to prove that conclusively. Therefore, this variant has been classified as Likely Pathogenic.

Blueprint Genetics
Classification: Uncertain significance. Last evaluated: 2023-10-05. Review status: criteria provided, single submitter. Criteria: ACMG Guidelines, 2015. Collection method: clinical testing. Allele origin: germline.

Revvity Omics, Revvity
Classification: Uncertain significance. Last evaluated: 2019-07-17. Review status: criteria provided, single submitter. Criteria: ACMG Guidelines, 2015. Collection method: clinical testing. Allele origin: germline.

Cardiovascular Biomedical Research Unit, Royal Brompton & Harefield NHS Foundation Trust
Classification: Uncertain significance for Primary dilated cardiomyopathy. Last evaluated: 2014-10-08. Review status: criteria provided, single submitter. Criteria: Roberts et al. 2015. Collection method: research. Allele origin: germline. Inheritance: Autosomal dominant inheritance. Affected: no. Observed: 1 variant allele. Study: JHS cohort.
Comment: In the seven cohorts assessed, TTNtv were found in 14% of ambulant DCM, 22% end-stage or familial DCM, and 2% controls. Heterozygous nonsense, frameshift and canonical splice-disrupting variants found in constitutive and other highly utilised exons are highly likely to be pathogenic when identified in individuals with phenotypically confirmed DCM. TTNtv found incidentally in healthy individuals (excluding familial assessment of DCM relatives) are thought to have low penetrance, particularly when identified in exons that are not constitutively expressed in the heart.

Literature cited by the submitters: PubMed 33449170 (cited by Labcorp Genetics (formerly Invitae), Labcorp); PubMed 25589632 (cited by Labcorp Genetics (formerly Invitae), Labcorp); PubMed 23975875 (cited by Labcorp Genetics (formerly Invitae), Labcorp); PubMed 27869827 (cited by Labcorp Genetics (formerly Invitae), Labcorp); PubMed 32964742 (cited by Labcorp Genetics (formerly Invitae), Labcorp).